The following is an entry in ClinVar:

ClinVar aggregate classification (germline): Likely pathogenic. Review status: criteria provided, multiple submitters, no conflicts (2 of 4 stars). 3 submissions from 3 submitters: Likely pathogenic (2). 1 of the submissions does not count toward it. Last evaluated 2023-08-30.

Conditions:
Leber congenital amaurosis 13 (LCA13). Identifiers: MedGen C2675186, MONDO:0012990, OMIM 612712.

Submissions (3):

Labcorp Genetics (formerly Invitae), Labcorp
Classification: Likely pathogenic for Leber congenital amaurosis 13. Last evaluated: 2023-08-30. Review status: criteria provided, single submitter. Criteria: Invitae Variant Classification Sherloc (09022015). Collection method: clinical testing. Allele origin: germline.
Comment: In summary, the currently available evidence indicates that the variant is pathogenic, but additional data are needed to prove that conclusively. Therefore, this variant has been classified as Likely Pathogenic. This variant is not present in population databases (gnomAD no frequency). Algorithms developed to predict the effect of sequence changes on RNA splicing suggest that this variant may disrupt the consensus splice site. ClinVar contains an entry for this variant (Variation ID: 977810). This variant has not been reported in the literature in individuals affected with RDH12-related conditions. This sequence change affects an acceptor splice site in intron 7 of the RDH12 gene. It is expected to disrupt RNA splicing. Variants that disrupt the donor or acceptor splice site typically lead to a loss of protein function (PMID: 16199547), and loss-of-function variants in RDH12 are known to be pathogenic (PMID: 17964524, 22065924, 32014858, 34001834).

Fulgent Genetics
Classification: Likely pathogenic for Leber congenital amaurosis 13. Last evaluated: 2022-01-12. Review status: criteria provided, single submitter. Criteria: ACMG Guidelines, 2015. Collection method: clinical testing. Allele origin: unknown.

Laboratory of Genetics in Ophthalmology, Institut Imagine
Classification: Pathogenic for Leber congenital amaurosis 13. Review status: no assertion criteria provided. Collection method: research. Allele origin: inherited. Affected: yes. Observed: 1 variant allele. Not counted in ClinVar's aggregate classification.

Literature cited by the submitters: PubMed 16199547 (cited by Labcorp Genetics (formerly Invitae), Labcorp); PubMed 17964524 (cited by Labcorp Genetics (formerly Invitae), Labcorp); PubMed 22065924 (cited by Labcorp Genetics (formerly Invitae), Labcorp); PubMed 32014858 (cited by Labcorp Genetics (formerly Invitae), Labcorp); PubMed 34001834 (cited by Labcorp Genetics (formerly Invitae), Labcorp).

NM_152443.3(RDH12):c.659-2A>T

Genes: GPHN (gephyrin; plus strand), RDH12 (retinol dehydrogenase 12; plus strand), ZFYVE26 (zinc finger FYVE-type containing 26; minus strand). Cytogenetic location: 14q24.1.
Variant type: single nucleotide variant.
Coding change: c.659-2A>T on transcript NM_152443.3 (MANE Select); the canonical splice acceptor site of the intron before coding-DNA position 659, A replaced by T.
Molecular consequence: splice acceptor variant.
Genome position (GRCh38, 1-based): chr14:67,729,189, A>T. VCF-style: chr14-67729189-A-T. GRCh37 (hg19) VCF-style: chr14-68195906-A-T.
Identifiers: ClinVar variation 977810 (VCV000977810.9), dbSNP rs2038231425, ClinGen allele CA390152852.